The following is an entry in ClinVar:

NM_000402.4(G6PD):c.1179C>A (p.Asn393Lys)

Gene: G6PD (glucose-6-phosphate dehydrogenase; minus strand). Cytogenetic location: Xq28.
Variant type: single nucleotide variant.
Coding change: c.1179C>A on transcript NM_000402.4; coding-DNA position 1179, C replaced by A.
Protein change: p.Asn393Lys; replaces asparagine 393 with lysine.
Molecular consequence: missense variant.
Genome position (GRCh38, 1-based): chrX:154,532,765, G>T on the plus strand (C>A on the coding strand, the complement: G6PD is on the minus strand). VCF-style: chrX-154532765-G-T. GRCh37 (hg19) VCF-style: chrX-153760980-G-T.
Other names: G6PD, ASN363LYS; G6PD Loma Linda; c.1089C>A, p.Asn363Lys (NM_001042351.3, NM_001360016.2); short protein forms N363K, N393K.
Identifiers: ClinVar variation 10390 (VCV000010390.7), dbSNP rs137852329, ClinGen allele CA120996.

ClinVar aggregate classification (germline): Likely pathogenic. Review status: criteria provided, multiple submitters, no conflicts (2 of 4 stars). 4 submissions from 3 submitters: Likely pathogenic (2). 2 of the submissions do not count toward it. Last evaluated 2022-08-12.

Conditions:
Anemia, nonspherocytic hemolytic, due to G6PD deficiency (CNSHA1). Also called: Class I glucose-6-phosphate dehydrogenase deficiency; Favism, susceptibility to; ANEMIA, CONGENITAL, NONSPHEROCYTIC HEMOLYTIC, 1; Hemolytic anemia due to G6PD deficiency. Identifiers: Orphanet 466026, MedGen C2720289, MONDO:0010480, OMIM 300908.
G6PD LOMA LINDA.

Submissions (4):

Dunham Lab, University of Washington
Classification: Likely pathogenic for Anemia, nonspherocytic hemolytic, due to G6PD deficiency. Last evaluated: 2022-08-12. Review status: criteria provided, single submitter. Criteria: Bayesian ACMG Guidelines, 2018. Collection method: curation. Allele origin: unknown. Affected: yes.
Comment: Decreased activity in red blood cells (1%) (PS3). Not found in gnomAD (PM2). Post_P 0.949 (odds of pathogenicity 168.4, Prior_P 0.1).

Genetics and Molecular Pathology, SA Pathology
Classification: Likely pathogenic for Anemia, nonspherocytic hemolytic, due to G6PD deficiency. Last evaluated: 2021-08-09. Review status: criteria provided, single submitter. Criteria: ACMG Guidelines, 2015. Collection method: clinical testing. Allele origin: germline. Inheritance: X-linked recessive inheritance. Affected: yes.

OMIM
Classification: other for G6PD LOMA LINDA. Last evaluated: 1990-12-01. Review status: no assertion criteria provided. Collection method: literature only. Allele origin: germline. Not counted in ClinVar's aggregate classification.

OMIM
Classification: Pathogenic for ANEMIA, CONGENITAL, NONSPHEROCYTIC HEMOLYTIC, 1. Last evaluated: 1990-12-01. Review status: no assertion criteria provided. Collection method: literature only. Allele origin: germline. Not counted in ClinVar's aggregate classification.

Literature cited by the submitters: PubMed 2190319 (cited by Dunham Lab, University of Washington); PubMed 1999409 (cited by Dunham Lab, University of Washington); PubMed 1978554 (cited by OMIM).